The following is an entry in ClinVar:

ClinVar aggregate classification (germline): Uncertain significance. Review status: criteria provided, multiple submitters, no conflicts (2 of 4 stars). 2 submissions from 2 submitters: Uncertain significance (2). Last evaluated 2025-11-10.

Conditions:
Charcot-Marie-Tooth disease type 2. Also called: Charcot-Marie-Tooth type 2. Identifiers: Orphanet 64746, MedGen C0270914, MONDO:0018993.

gnomAD v4.1: 12 of 1,610,030 alleles (0.00075%); highest among the groups gnomAD compares: Non-Finnish European, 0.001%; no homozygotes.

Submissions (2):

Labcorp Genetics (formerly Invitae), Labcorp
Classification: Uncertain significance for Charcot-Marie-Tooth disease type 2. Last evaluated: 2025-11-10. Review status: criteria provided, single submitter. Criteria: Invitae Variant Classification Sherloc (09022015). Collection method: clinical testing. Allele origin: germline.
Comment: This sequence change replaces alanine, which is neutral and non-polar, with threonine, which is neutral and polar, at codon 968 of the KIF1B protein (p.Ala968Thr). This variant is present in population databases (rs772779601, gnomAD 0.0009%). This variant has not been reported in the literature in individuals affected with KIF1B-related conditions. ClinVar contains an entry for this variant (Variation ID: 1405268). Invitae Evidence Modeling of protein sequence and biophysical properties (such as structural, functional, and spatial information, amino acid conservation, physicochemical variation, residue mobility, and thermodynamic stability) indicates that this missense variant is not expected to disrupt KIF1B protein function with a negative predictive value of 80%. In summary, the available evidence is currently insufficient to determine the role of this variant in disease. Therefore, it has been classified as a Variant of Uncertain Significance.

Ambry Genetics
Classification: Uncertain significance. Last evaluated: 2024-08-20. Review status: criteria provided, single submitter. Criteria: Ambry Variant Classification Scheme 2023. Collection method: clinical testing. Allele origin: germline.

NM_001365951.3(KIF1B):c.3040G>A (p.Ala1014Thr)

Gene: KIF1B (kinesin family member 1B; plus strand). Cytogenetic location: 1p36.22.
Variant type: single nucleotide variant.
Coding change: c.3040G>A on transcript NM_001365951.3 (MANE Select); coding-DNA position 3040, G replaced by A.
Protein change: p.Ala1014Thr; replaces alanine 1014 with threonine.
Molecular consequence: missense variant.
Genome position (GRCh38, 1-based): chr1:10,334,635, G>A. VCF-style: chr1-10334635-G-A. GRCh37 (hg19) VCF-style: chr1-10394693-G-A.
Other names: c.3040G>A, p.Ala1014Thr (NM_001365952.1); c.2902G>A, p.Ala968Thr (NM_015074.3); short protein forms A968T, A1014T.
Identifiers: ClinVar variation 1405268 (VCV001405268.9), dbSNP rs772779601, ClinGen allele CA581675.